The following is an entry in ClinVar:

ClinVar aggregate classification (germline): Conflicting classifications of pathogenicity. Review status: criteria provided, conflicting classifications (1 of 4 stars). 7 submissions from 6 submitters: Uncertain significance (2); Likely benign (4). 1 of the submissions does not count toward it. Last evaluated 2026-01-20.

Conditions:
Transitory neonatal diabetes mellitus. Also called: Transient neonatal diabetes mellitus. Identifiers: MedGen C0342273, MONDO:0020525, HP:0008255.
Maturity-onset diabetes of the young (MODY). Also called: Maturity onset diabetes mellitus in young. Identifiers: Orphanet 552, MedGen C0342276, MONDO:0018911, HP:0004904.
Hereditary hyperinsulinism.

Allele frequency attached by ClinVar (database versions not stated): gnomAD 0.00001 and 0.00002; gnomAD exomes 0.00001 and 0.00002; ExAC 0.00002; TOPMed 0.00002; ESP Exome Variant Server 0.00008.
gnomAD v4.1: 35 of 1,613,602 alleles (0.0022%); highest among the groups gnomAD compares: South Asian, 0.011%; no homozygotes.

Submissions (7):

Labcorp Genetics (formerly Invitae), Labcorp
Classification: Likely benign. Last evaluated: 2026-01-20. Review status: criteria provided, single submitter. Criteria: Invitae Variant Classification Sherloc (09022015). Collection method: clinical testing. Allele origin: germline.

CeGaT Center for Human Genetics Tuebingen
Classification: Likely benign. Last evaluated: 2025-02-01. Review status: criteria provided, single submitter. Criteria: CeGaT Center For Human Genetics Tuebingen Variant Classification Criteria Version 2. Collection method: clinical testing. Allele origin: germline. Affected: yes. Observed: 1 variant allele.
Comment: ABCC8: BP4, BP7

Blueprint Genetics
Classification: Likely benign. Last evaluated: 2022-12-12. Review status: criteria provided, single submitter. Criteria: ACMG Guidelines, 2015. Collection method: clinical testing. Allele origin: germline.

Genetic Services Laboratory, University of Chicago
Classification: Likely benign. Last evaluated: 2019-04-12. Review status: criteria provided, single submitter. Criteria: ACMG Guidelines, 2015. Collection method: clinical testing. Allele origin: germline. Affected: no.

Clinical Genomics, Uppaluri K&H Personalized Medicine Clinic
Classification: Uncertain significance for Transitory neonatal diabetes mellitus. Review status: criteria provided, single submitter. Criteria: K & H Uppaluri Personalized Medicine Clinic Variant Classification & Assertion Criteria_Updated V.1. Collection method: research. Allele origin: somatic. Inheritance: Somatic mutation.
Comment: Mutations in ABCC8 gene are associated with both neonatal diabetes mellitus as well as MODY. Patients with this mutation may have a better response to sulfonylureas. However, no sufficient evidence is found to ascertain the role of this particular variant (rs137868047) in neonatal diabetes yet.

Clinical Genomics, Uppaluri K&H Personalized Medicine Clinic
Classification: Uncertain significance for Maturity-onset diabetes of the young. Review status: criteria provided, single submitter. Criteria: K & H Uppaluri Personalized Medicine Clinic Variant Classification & Assertion Criteria_Updated V.1. Collection method: research. Allele origin: somatic. Inheritance: Somatic mutation.
Comment: Mutations in ABCC8 gene are associated with both neonatal diabetes mellitus as well as MODY. Patients with this mutation may have a better response to sulfonylureas. However, no sufficient evidence is found to ascertain the role of this particular variant (rs137868047) in MODY yet.

Natera, Inc.
Classification: Uncertain significance for Hereditary hyperinsulinism. Last evaluated: 2020-02-13. Review status: no assertion criteria provided. Collection method: clinical testing. Allele origin: germline. Not counted in ClinVar's aggregate classification.

Literature cited by the submitters: PubMed 16885549 (cited by Clinical Genomics, Uppaluri K&H Personalized Medicine Clinic); PubMed 21989597 (cited by Clinical Genomics, Uppaluri K&H Personalized Medicine Clinic); PubMed 27538677 (cited by Clinical Genomics, Uppaluri K&H Personalized Medicine Clinic); PubMed 18981553 (cited by Clinical Genomics, Uppaluri K&H Personalized Medicine Clinic); PubMed 32027066 (cited by Clinical Genomics, Uppaluri K&H Personalized Medicine Clinic); PubMed 16613899 (cited by Clinical Genomics, Uppaluri K&H Personalized Medicine Clinic); PubMed 18025408 (cited by Clinical Genomics, Uppaluri K&H Personalized Medicine Clinic); PubMed 32792356 (cited by Clinical Genomics, Uppaluri K&H Personalized Medicine Clinic).

NM_000352.6(ABCC8):c.3960C>T (p.Thr1320=)

Gene: ABCC8 (ATP binding cassette subfamily C member 8; minus strand). Cytogenetic location: 11p15.1.
Variant type: single nucleotide variant.
Coding change: c.3960C>T on transcript NM_000352.6 (MANE Select); coding-DNA position 3960, C replaced by T.
Protein change: p.Thr1320=; no amino-acid change (threonine 1320 retained).
Molecular consequence: synonymous variant. On other transcripts: non-coding transcript variant (1).
Genome position (GRCh38, 1-based): chr11:17,397,221, G>A on the plus strand (C>T on the coding strand, the complement: ABCC8 is on the minus strand). VCF-style: chr11-17397221-G-A. GRCh37 (hg19) VCF-style: chr11-17418768-G-A.
Other names: c.3963C>T, p.Thr1321= (NM_001287174.3); c.4026C>T, p.Thr1342= (NM_001351295.2); c.3960C>T, p.Thr1320= (NM_001351296.2); c.3957C>T, p.Thr1319= (NM_001351297.2).
Identifiers: ClinVar variation 766424 (VCV000766424.30), dbSNP rs137868047, ClinGen allele CA5902634.